The following is an entry in ClinVar:

NM_001035.3(RYR2):c.6797T>A (p.Val2266Asp)

Gene: RYR2 (ryanodine receptor 2; plus strand). Cytogenetic location: 1q43.
Variant type: single nucleotide variant.
Coding change: c.6797T>A on transcript NM_001035.3 (MANE Select); coding-DNA position 6797, T replaced by A.
Protein change: p.Val2266Asp; replaces valine 2266 with aspartic acid.
Molecular consequence: missense variant.
Genome position (GRCh38, 1-based): chr1:237,638,361, T>A. VCF-style: chr1-237638361-T-A. GRCh37 (hg19) VCF-style: chr1-237801661-T-A.
Other names: short protein forms V2266D.
Identifiers: ClinVar variation 3385771 (VCV003385771.1).

ClinVar aggregate classification (germline): Uncertain significance (1 of 4 stars; one submission).

Conditions:
Catecholaminergic polymorphic ventricular tachycardia (CVPT). Also called: Catecholamine-induced polymorphic ventricular tachycardia. Identifiers: Orphanet 3286, MedGen C5574922, MONDO:0017990.

Submission:

All of Us Research Program, National Institutes of Health
Classification: Uncertain significance for Catecholaminergic polymorphic ventricular tachycardia. Last evaluated: 2024-09-23. Review status: criteria provided, single submitter. Criteria: ACMG Guidelines, 2015. Collection method: clinical testing. Allele origin: germline. Inheritance: Autosomal dominant inheritance. Observed: 1 variant allele, 1 heterozygote.
Comment: This study involves interpretation of variants in research participants for the purpose of population health screening. Participant phenotype was not available at the time of variant classification. Additional details can be found in publication PMID: 35346344, PMCID: PMC8962531